The following is an entry in ClinVar:

NM_000257.4(MYH7):c.2464A>C (p.Met822Leu)

Genes: MYH7 (myosin heavy chain 7; minus strand), LOC126861898 (BRD4-independent group 4 enhancer GRCh37_chr14:23893609-23894808; plus strand). Cytogenetic location: 14q11.2.
Variant type: single nucleotide variant.
Coding change: c.2464A>C on transcript NM_000257.4 (MANE Select); coding-DNA position 2464, A replaced by C.
Protein change: p.Met822Leu; replaces methionine 822 with leucine.
Molecular consequence: missense variant.
Genome position (GRCh38, 1-based): chr14:23,424,984, T>G on the plus strand (A>C on the coding strand, the complement: MYH7 is on the minus strand). VCF-style: chr14-23424984-T-G. GRCh37 (hg19) VCF-style: chr14-23894193-T-G.
Other names: p.M822L:ATG>CTG; c.2464A>C (LRG_384t1); short protein forms M822L.
Identifiers: ClinVar variation 181370 (VCV000181370.14), dbSNP rs730880742, ClinGen allele CA012368.

ClinVar aggregate classification (germline): Conflicting classifications of pathogenicity. Review status: criteria provided, conflicting classifications (1 of 4 stars). 3 submissions from 3 submitters: Likely pathogenic (1); Uncertain significance (2). Last evaluated 2025-12-29.

Conditions:
Hypertrophic cardiomyopathy. Also called: HYPERTROPHIC MYOCARDIOPATHY. Identifiers: Orphanet 217569, MedGen C0007194, MeSH D002312, MONDO:0005045, HP:0001639.

Submissions (3):

Labcorp Genetics (formerly Invitae), Labcorp
Classification: Uncertain significance for Hypertrophic cardiomyopathy. Last evaluated: 2025-12-29. Review status: criteria provided, single submitter. Criteria: Invitae Variant Classification Sherloc (09022015). Collection method: clinical testing. Allele origin: germline.
Comment: This sequence change replaces methionine, which is neutral and non-polar, with leucine, which is neutral and non-polar, at codon 822 of the MYH7 protein (p.Met822Leu). This variant is not present in population databases (gnomAD no frequency). This missense change has been observed in individual(s) with hypertrophic cardiomyopathy (PMID: 12820698, 23197398, 37652022; internal data). ClinVar contains an entry for this variant (Variation ID: 181370). Invitae Evidence Modeling of protein sequence and biophysical properties (such as structural, functional, and spatial information, amino acid conservation, physicochemical variation, residue mobility, and thermodynamic stability) has been performed for this missense variant. However, the output from this modeling did not meet the statistical confidence thresholds required to predict the impact of this variant on MYH7 protein function. This variant disrupts the p.Met822 amino acid residue in MYH7. Other variant(s) that disrupt this residue have been determined to be pathogenic (PMID: 12881443). This suggests that this residue is clinically significant, and that variants that disrupt this residue are likely to be disease-causing. In summary, the available evidence is currently insufficient to determine the role of this variant in disease. Therefore, it has been classified as a Variant of Uncertain Significance.

Dasa
Classification: Uncertain significance. Last evaluated: 2025-10-13. Review status: criteria provided, single submitter. Criteria: DASA Assertion Criteria. Collection method: clinical testing. Allele origin: germline.
Comment: NM_000257.4(MYH7):c.2464A>C (p.Met822Leu) is a missense variant that results in the substitution of methionine with leucine. The affected residue or protein region has prior evidence supporting clinical relevance. This variant is absent from population databases. The currently available literature and clinical evidence are not sufficient to establish a definitive association between this variant and the reported condition. Therefore, this variant is classified as a variant of uncertain significance.

GeneDx
Classification: Likely pathogenic. Last evaluated: 2018-12-18. Review status: criteria provided, single submitter. Criteria: GeneDx Variant Classification (06012015). Collection method: clinical testing. Allele origin: germline. Affected: yes.
Comment: The M822L likely pathogenic variant due to the nucleotide substitution c.2464 A>C in the MYH7 gene has been previously reported in one individual with HCM (Fujino et al., 2013). The same amino acid substitution due to a different nucleotide change (M822L, c.2464 A>T) has also been previously reported in another individual with HCM (Lopes et al., 2015). Furthermore, several other individuals with confirmed or suspected HCM have been reported to harbor the M822L variant; however, the nucleotide change was not specified (Mohiddin et al., 2003; Matsuta et al., 2005; Funada et al., 2010; Bayrak et al., 2015). This variant was not observed in approximately 6,500 individuals of European and African American ancestry in the NHLBI Exome Sequencing Project, indicating it is not a common benign variant in these populations. While M822L is a conservative amino acid substitution, it occurs at a position that is conserved across species. In addition, the majority of in silico tools also predict this variant is probably damaging to the protein structure/function. Moreover, a missense variant in the same residue (M822V) has been reported in the Human Gene Mutation Database in association with HCM (Stenson et al., 2014), further supporting the functional importance of this residue of the protein. Therefore, this variant is likely pathogenic. In order to definitively determine its clinical significance, additional data is required.

Literature cited by the submitters: PubMed 12820698 (cited by Labcorp Genetics (formerly Invitae), Labcorp); PubMed 23197398 (cited by Labcorp Genetics (formerly Invitae), Labcorp); PubMed 37652022 (cited by Labcorp Genetics (formerly Invitae), Labcorp); PubMed 12881443 (cited by Labcorp Genetics (formerly Invitae), Labcorp).